The following is an entry in ClinVar:

NM_000057.4(BLM):c.4012A>C (p.Lys1338Gln)

Gene: BLM (BLM RecQ like helicase; plus strand). Cytogenetic location: 15q26.1.
Variant type: single nucleotide variant.
Coding change: c.4012A>C on transcript NM_000057.4 (MANE Select); coding-DNA position 4012, A replaced by C.
Protein change: p.Lys1338Gln; replaces lysine 1338 with glutamine.
Molecular consequence: missense variant.
Genome position (GRCh38, 1-based): chr15:90,811,342, A>C. VCF-style: chr15-90811342-A-C. GRCh37 (hg19) VCF-style: chr15-91354572-A-C.
Other names: c.4012A>C, p.Lys1338Gln (NM_001287246.2); c.3619A>C, p.Lys1207Gln (NM_001287247.2); c.2887A>C, p.Lys963Gln (NM_001287248.2); short protein forms K963Q, K1207Q, K1338Q.
Identifiers: ClinVar variation 2566830 (VCV002566830.2), dbSNP rs2505567386, ClinGen allele CA393851242.

ClinVar aggregate classification (germline): Uncertain significance (1 of 4 stars; one submission).

Conditions:
Hereditary cancer-predisposing syndrome. Also called: Hereditary neoplastic syndrome; Hereditary Cancer Syndrome; Neoplastic Syndromes, Hereditary; Tumor predisposition. Identifiers: Orphanet 140162, MedGen C0027672, MeSH D009386, MONDO:0015356.

Allele frequency attached by ClinVar (database versions not stated): gnomAD exomes below 0.00001.
gnomAD v4.1: 1 of 1,614,190 alleles (0.000062%); highest among the groups gnomAD compares: Non-Finnish European, 0.000085%; no homozygotes.

Submission:

Ambry Genetics
Classification: Uncertain significance for Hereditary cancer-predisposing syndrome. Last evaluated: 2023-04-30. Review status: criteria provided, single submitter. Criteria: Ambry Variant Classification Scheme 2023. Collection method: clinical testing. Allele origin: germline.
Comment: The p.K1338Q variant (also known as c.4012A>C), located in coding exon 20 of the BLM gene, results from an A to C substitution at nucleotide position 4012. The lysine at codon 1338 is replaced by glutamine, an amino acid with similar properties. This amino acid position is conserved. In addition, this alteration is predicted to be tolerated by in silico analysis. Since supporting evidence is limited at this time, the clinical significance of this alteration remains unclear.